The following is an entry in ClinVar:

ClinVar aggregate classification (germline): Likely benign. Review status: criteria provided, single submitter (1 of 4 stars). 2 submissions from 2 submitters: Likely benign (1). 1 of the submissions does not count toward it. Last evaluated 2024-12-28.

Conditions:
FASN-related disorder. Also called: FASN-related condition.
Epileptic encephalopathy. Identifiers: MedGen C0543888, HP:0200134.

Allele frequency attached by ClinVar (database versions not stated): gnomAD 0.00004 and 0.00005; TOPMed 0.00006.
gnomAD v4.1: 44 of 1,612,644 alleles (0.0027%); highest among the groups gnomAD compares: South Asian, 0.014%; no homozygotes.

Submissions (2):

Labcorp Genetics (formerly Invitae), Labcorp
Classification: Likely benign for Epileptic encephalopathy. Last evaluated: 2024-12-28. Review status: criteria provided, single submitter. Criteria: Invitae Variant Classification Sherloc (09022015). Collection method: clinical testing. Allele origin: germline.

PreventionGenetics, part of Exact Sciences
Classification: Likely benign for FASN-related condition. Last evaluated: 2019-03-22. Review status: no assertion criteria provided. Collection method: clinical testing. Allele origin: germline. Not counted in ClinVar's aggregate classification.
Comment: This variant is classified as likely benign based on ACMG/AMP sequence variant interpretation guidelines (Richards et al. 2015 PMID: 25741868, with internal and published modifications).

NM_004104.5(FASN):c.5487G>A (p.Thr1829=)

Gene: FASN (fatty acid synthase; minus strand). Cytogenetic location: 17q25.3.
Variant type: single nucleotide variant.
Coding change: c.5487G>A on transcript NM_004104.5 (MANE Select); coding-DNA position 5487, G replaced by A.
Protein change: p.Thr1829=; no amino-acid change (threonine 1829 retained).
Molecular consequence: synonymous variant.
Genome position (GRCh38, 1-based): chr17:82,083,280, C>T on the plus strand (G>A on the coding strand, the complement: FASN is on the minus strand). VCF-style: chr17-82083280-C-T. GRCh37 (hg19) VCF-style: chr17-80041156-C-T.
Identifiers: ClinVar variation 753206 (VCV000753206.12), dbSNP rs777756867, ClinGen allele CA8851671.